The following is an entry in ClinVar:

NM_001127208.3(TET2):c.2065T>G (p.Ser689Ala)

Genes: TET2 (tet methylcytosine dioxygenase 2; plus strand), TET2-AS1 (TET2 antisense RNA 1; minus strand). Cytogenetic location: 4q24.
Variant type: single nucleotide variant.
Coding change: c.2065T>G on transcript NM_001127208.3 (MANE Select); coding-DNA position 2065, T replaced by G.
Protein change: p.Ser689Ala; replaces serine 689 with alanine.
Molecular consequence: missense variant.
Genome position (GRCh38, 1-based): chr4:105,236,007, T>G. VCF-style: chr4-105236007-T-G. GRCh37 (hg19) VCF-style: chr4-106157164-T-G.
Other names: c.2065T>G, p.Ser689Ala (NM_017628.4); short protein forms S689A.
Identifiers: ClinVar variation 1905149 (VCV001905149.5), dbSNP rs182380481, ClinGen allele CA3031807.

ClinVar aggregate classification (germline): Uncertain significance (1 of 4 stars; one submission).

Allele frequency attached by ClinVar (database versions not stated): ExAC 0.00001; gnomAD exomes 0.00007; TOPMed 0.00007; ESP Exome Variant Server 0.00008; gnomAD 0.00009; 1000 Genomes Project 0.00020; 1000 Genomes Project 30x 0.00047.
gnomAD v4.1: 120 of 1,614,110 alleles (0.0074%); highest among the groups gnomAD compares: Non-Finnish European, 0.0087%; no homozygotes.

Submission:

Labcorp Genetics (formerly Invitae), Labcorp
Classification: Uncertain significance. Last evaluated: 2025-08-16. Review status: criteria provided, single submitter. Criteria: Invitae Variant Classification Sherloc (09022015). Collection method: clinical testing. Allele origin: germline.
Comment: This sequence change replaces serine, which is neutral and polar, with alanine, which is neutral and non-polar, at codon 689 of the TET2 protein (p.Ser689Ala). This variant is present in population databases (rs182380481, gnomAD 0.003%). This variant has not been reported in the literature in individuals affected with TET2-related conditions. ClinVar contains an entry for this variant (Variation ID: 1905149). An algorithm developed to predict the effect of missense changes on protein structure and function (PolyPhen-2) suggests that this variant is likely to be tolerated. In summary, the available evidence is currently insufficient to determine the role of this variant in disease. Therefore, it has been classified as a Variant of Uncertain Significance.